The following is an entry in ClinVar:

NM_000059.4(BRCA2):c.8157T>G (p.Ile2719Met)

Gene: BRCA2 (BRCA2 DNA repair associated; plus strand). Cytogenetic location: 13q13.1.
Variant type: single nucleotide variant.
Coding change: c.8157T>G on transcript NM_000059.4 (MANE Select); coding-DNA position 8157, T replaced by G.
Protein change: p.Ile2719Met; replaces isoleucine 2719 with methionine.
Molecular consequence: missense variant.
Genome position (GRCh38, 1-based): chr13:32,363,359, T>G. VCF-style: chr13-32363359-T-G. GRCh37 (hg19) VCF-style: chr13-32937496-T-G.
Other names: p.I2719M:ATT>ATG; short protein forms I2719M.
Identifiers: ClinVar variation 182250 (VCV000182250.13), dbSNP rs730881563, ClinGen allele CA025476.

ClinVar aggregate classification (germline): Conflicting classifications of pathogenicity. Review status: criteria provided, conflicting classifications (1 of 4 stars). 4 submissions from 4 submitters: Uncertain significance (3); Likely benign (1). Last evaluated 2025-05-08.

Conditions:
Hereditary cancer-predisposing syndrome. Also called: Tumor predisposition; Hereditary Cancer Syndrome; Hereditary neoplastic syndrome; Neoplastic Syndromes, Hereditary. Identifiers: Orphanet 140162, MedGen C0027672, MeSH D009386, MONDO:0015356.
Hereditary breast ovarian cancer syndrome. Also called: Breast and ovarian cancer; Hereditary breast and ovarian cancer; Hereditary breast and/or ovarian cancer syndrome; BRCA1- and BRCA2-Associated Hereditary Breast and Ovarian Cancer; Hereditary breast and ovarian cancer syndrome (HBOC); Hereditary breast and ovarian cancer syndrome. Identifiers: Orphanet 145, MedGen C0677776, MeSH D061325, MONDO:0003582. Disease mechanism: loss of function.

Allele frequency attached by ClinVar (database versions not stated): gnomAD exomes below 0.00001.
gnomAD v4.1: 1 of 1,614,172 alleles (0.000062%); highest among the groups gnomAD compares: Non-Finnish European, 0.000085%; no homozygotes.

Submissions (4):

Ambry Genetics
Classification: Likely benign for Hereditary cancer-predisposing syndrome. Last evaluated: 2025-05-08. Review status: criteria provided, single submitter. Criteria: Ambry Variant Classification Scheme 2023. Collection method: clinical testing. Allele origin: germline.

Labcorp Genetics (formerly Invitae), Labcorp
Classification: Uncertain significance for Hereditary breast ovarian cancer syndrome. Last evaluated: 2024-06-07. Review status: criteria provided, single submitter. Criteria: Invitae Variant Classification Sherloc (09022015). Collection method: clinical testing. Allele origin: germline.
Comment: This sequence change replaces isoleucine, which is neutral and non-polar, with methionine, which is neutral and non-polar, at codon 2719 of the BRCA2 protein (p.Ile2719Met). This variant is not present in population databases (gnomAD no frequency). This variant has not been reported in the literature in individuals affected with BRCA2-related conditions. ClinVar contains an entry for this variant (Variation ID: 182250). Advanced modeling of protein sequence and biophysical properties (such as structural, functional, and spatial information, amino acid conservation, physicochemical variation, residue mobility, and thermodynamic stability) performed at Invitae indicates that this missense variant is not expected to disrupt BRCA2 protein function with a negative predictive value of 95%. In summary, the available evidence is currently insufficient to determine the role of this variant in disease. Therefore, it has been classified as a Variant of Uncertain Significance.

Color Diagnostics, LLC DBA Color Health
Classification: Uncertain significance for Hereditary cancer-predisposing syndrome. Last evaluated: 2020-10-12. Review status: criteria provided, single submitter. Criteria: ACMG Guidelines, 2015. Collection method: clinical testing. Allele origin: germline.
Comment: This missense variant replaces isoleucine with methionine at codon 2719 of the BRCA2 protein. Computational prediction is inconclusive regarding the impact of this variant on protein structure and function (internally defined REVEL score threshold 0.5 < inconclusive < 0.7, PMID: 27666373). To our knowledge, functional studies have not been reported for this variant. This variant has not been reported in individuals affected with hereditary cancer in the literature. This variant has not been identified in the general population by the Genome Aggregation Database (gnomAD). The available evidence is insufficient to determine the role of this variant in disease conclusively. Therefore, this variant is classified as a Variant of Uncertain Significance.

GeneDx
Classification: Uncertain significance. Last evaluated: 2014-02-03. Review status: criteria provided, single submitter. Criteria: GeneDx Variant Classification (06012015). Collection method: clinical testing. Allele origin: germline. Affected: yes.
Comment: This variant is denoted BRCA2 c.8157T>G at the cDNA level, p.Ile2719Met (I2719M) at the protein level, and results in the change of an Isoleucine to a Methionine (ATT>ATG). This variant has not, to our knowledge, been published in the literature as pathogenic or benign. BRCA2 Ile2719Met was not observed in approximately 6,500 individuals of European and African American ancestry in the NHLBI Exome Sequencing Project, indicating it is not a common benign variant in these populations. This variant is a conservative substitution of one neutral non-polar amino acid for another, altering a position that is moderately conserved throughout evolution and accepts other conservative changes. BRCA2 Ile2719Met is located within the DNA binding domain (UniProt). Multiple in silico algorithms predict that this variant may be damaging to protein structure and function. Based on currently available information, it is unclear whether BRCA2 Ile2719Met is pathogenic or benign. We consider it to be a variant of uncertain significance.